The following is an entry in ClinVar:

NM_080425.4(GNAS):c.986C>G (p.Pro329Arg)

Gene: GNAS (GNAS complex locus; plus strand). Cytogenetic location: 20q13.32.
Variant type: single nucleotide variant.
Coding change: c.986C>G on transcript NM_080425.4 (MANE Plus Clinical); coding-DNA position 986, C replaced by G.
Protein change: p.Pro329Arg; replaces proline 329 with arginine.
Molecular consequence: missense variant. On other transcripts: intron variant (3).
Genome position (GRCh38, 1-based): chr20:58,854,251, C>G. VCF-style: chr20-58854251-C-G. GRCh37 (hg19) VCF-style: chr20-57429306-C-G.
Other names: c.799C>G, p.Gln267Glu (NM_001309883.1, NM_001077490.3); c.986C>G, p.Pro329Arg (NM_001410913.1); c.*42+13365C>G (NM_016592.5); c.43+13365C>G (NM_001410912.1); c.-39+12376C>G (NM_001309861.2); short protein forms Q267E, P329R.
Identifiers: ClinVar variation 4987467 (VCV004987467.1).

ClinVar aggregate classification (germline): Uncertain significance (1 of 4 stars; one submission).

Conditions:
GNAS-related disorder. Identifiers: MedGen CN380105.

gnomAD v4.1: 1 of 1,613,276 alleles (0.000062%); highest among the groups gnomAD compares: African/African-American, 0.0013%; no homozygotes.

Submission:

PreventionGenetics, part of Exact Sciences
Classification: Uncertain significance for GNAS-related condition. Last evaluated: 2025-07-02. Review status: criteria provided, single submitter. Criteria: ACMG Guidelines, 2015. Collection method: clinical testing. Allele origin: germline.
Comment: The GNAS c.986C>G variant is predicted to result in the amino acid substitution p.Pro329Arg. In the primary GNAS transcript (NM_000516.5), this variant is found within a non-coding region (c.-37476C>G). To our knowledge, this variant has not been reported in the literature or in a large population database (gnomAD), indicating this variant is rare. At this time, the clinical significance of this variant is uncertain due to the absence of conclusive functional and genetic evidence.